The following is an entry in ClinVar:

NM_198241.3(EIF4G1):c.4251C>T (p.Val1417=)

Gene: EIF4G1 (eukaryotic translation initiation factor 4 gamma 1; plus strand). Cytogenetic location: 3q27.1.
Variant type: single nucleotide variant.
Coding change: c.4251C>T on transcript NM_198241.3 (MANE Select); coding-DNA position 4251, C replaced by T.
Protein change: p.Val1417=; no amino-acid change (valine 1417 retained).
Molecular consequence: synonymous variant.
Genome position (GRCh38, 1-based): chr3:184,331,355, C>T. VCF-style: chr3-184331355-C-T. GRCh37 (hg19) VCF-style: chr3-184049143-C-T.
Other names: p.Val1417=; c.4272C>T, p.Val1424= (NM_001194946.2, NM_001194947.2); c.4131C>T, p.Val1377= (NM_001291157.2); c.3666C>T, p.Val1222= (NM_004953.5); c.4254C>T, p.Val1418= (NM_182917.4); c.3759C>T, p.Val1253= (NM_198242.3); c.3990C>T, p.Val1330= (NM_198244.3).
Identifiers: ClinVar variation 1210099 (VCV001210099.5), dbSNP rs76779558, ClinGen allele CA2733065.

ClinVar aggregate classification (germline): Benign/Likely benign. Review status: criteria provided, multiple submitters, no conflicts (2 of 4 stars). 5 submissions from 5 submitters: Benign (1); Likely benign (2). 2 of the submissions do not count toward it. Last evaluated 2023-04-12.

Conditions:
Parkinson disease 18, autosomal dominant, susceptibility to. Identifiers: Orphanet 411602, MedGen C3280271, MONDO:0013653, OMIM 614251.

Allele frequency attached by ClinVar (database versions not stated): gnomAD exomes 0.01891 and 0.02005; gnomAD 0.01479 and 0.01418; ExAC 0.01915; TOPMed 0.01558; ESP Exome Variant Server 0.01830; 1000 Genomes Project 30x 0.01405; 1000 Genomes Project 0.01418.
gnomAD v4.1: 31,670 of 1,614,156 alleles (2%); highest among the groups gnomAD compares: Middle Eastern, 6.4%; 379 homozygotes.

Submissions (5):

Mayo Clinic Laboratories, Mayo Clinic
Classification: Benign. Last evaluated: 2023-04-12. Review status: criteria provided, single submitter. Criteria: ACMG Guidelines, 2015. Collection method: clinical testing. Allele origin: germline. Observed: 24 variant alleles.
Comment: BS1, BS2, BP4, BP7

Fulgent Genetics
Classification: Likely benign for Parkinson disease 18, autosomal dominant, susceptibility to. Last evaluated: 2021-10-01. Review status: criteria provided, single submitter. Criteria: ACMG Guidelines, 2015. Collection method: clinical testing. Allele origin: unknown.

Breakthrough Genomics
Classification: Likely benign. Review status: criteria provided, single submitter. Criteria: ACMG Guidelines, 2015. Collection method: not provided. Allele origin: germline. Inheritance: Autosomal dominant inheritance. Affected: yes.

Clinical Genetics DNA and cytogenetics Diagnostics Lab, Erasmus MC, Erasmus Medical Center
Classification: Benign. Review status: no assertion criteria provided. Collection method: clinical testing. Allele origin: germline. Affected: yes. Study: VKGL Data-share Consensus. Not counted in ClinVar's aggregate classification.

Genome Diagnostics Laboratory, Amsterdam University Medical Center
Classification: Benign. Review status: no assertion criteria provided. Collection method: clinical testing. Allele origin: germline. Affected: yes. Study: VKGL Data-share Consensus. Not counted in ClinVar's aggregate classification.

Literature cited by the submitters: PubMed 22658323 (cited by Mayo Clinic Laboratories, Mayo Clinic).